The following is an entry in ClinVar:

ClinVar aggregate classification (germline): Benign (1 of 4 stars; one submission).

Conditions:
Familial adenomatous polyposis 1 (FAP1). Also called: POLYPOSIS, ADENOMATOUS INTESTINAL; FAMILIAL ADENOMATOUS POLYPOSIS 1, ATTENUATED. Identifiers: MedGen C2713442, MONDO:0021056, OMIM 175100. Disease mechanism: loss of function.

Submission:

Myriad Genetics, Inc.
Classification: Benign for Familial adenomatous polyposis 1. Last evaluated: 2024-03-28. Review status: criteria provided, single submitter. Criteria: Myriad Autosomal Dominant, Autosomal Recessive and X-Linked Classification Criteria (2023). Collection method: clinical testing. Allele origin: unknown.
Comment: This variant is considered benign. This variant is a silent/synonymous amino acid change and it is not expected to impact splicing.

NM_000038.6(APC):c.5061A>G (p.Arg1687=)

Gene: APC (APC regulator of Wnt signaling pathway; plus strand). Cytogenetic location: 5q22.2.
Variant type: single nucleotide variant.
Coding change: c.5061A>G on transcript NM_000038.6 (MANE Select); coding-DNA position 5061, A replaced by G.
Protein change: p.Arg1687=; no amino-acid change (arginine 1687 retained).
Molecular consequence: synonymous variant. On other transcripts: non-coding transcript variant (2).
Genome position (GRCh38, 1-based): chr5:112,840,655, A>G. VCF-style: chr5-112840655-A-G. GRCh37 (hg19) VCF-style: chr5-112176352-A-G.
Other names: c.5061A>G, p.Arg1687= (NM_001127510.3, NM_001354895.2, NM_001407450.1); c.5007A>G, p.Arg1669= (NM_001127511.3); c.5115A>G, p.Arg1705= (NM_001354896.2, NM_001407447.1, NM_001407448.1 and 1 more transcripts); c.5091A>G, p.Arg1697= (NM_001354897.2); c.4986A>G, p.Arg1662= (NM_001354898.2); c.4977A>G, p.Arg1659= (NM_001354899.2); c.4938A>G, p.Arg1646= (NM_001354900.2); c.4884A>G, p.Arg1628= (NM_001354901.2, NM_001407453.1); and 11 more.
Identifiers: ClinVar variation 3148008 (VCV003148008.1), dbSNP rs2149931007, ClinGen allele CA446209546.